The following is an entry in ClinVar:

NM_181486.4(TBX5):c.1186A>G (p.Ile396Val)

Gene: TBX5 (T-box transcription factor 5; minus strand). Cytogenetic location: 12q24.21.
Variant type: single nucleotide variant.
Coding change: c.1186A>G on transcript NM_181486.4 (MANE Select); coding-DNA position 1186, A replaced by G.
Protein change: p.Ile396Val; replaces isoleucine 396 with valine.
Molecular consequence: missense variant.
Genome position (GRCh38, 1-based): chr12:114,355,903, T>C on the plus strand (A>G on the coding strand, the complement: TBX5 is on the minus strand). VCF-style: chr12-114355903-T-C. GRCh37 (hg19) VCF-style: chr12-114793708-T-C.
Other names: c.1186A>G, p.Ile396Val (NM_000192.3); c.1036A>G, p.Ile346Val (NM_080717.4); short protein forms I346V, I396V.
Identifiers: ClinVar variation 3895888 (VCV003895888.2).

ClinVar aggregate classification (germline): Uncertain significance. Review status: criteria provided, multiple submitters, no conflicts (2 of 4 stars). 2 submissions from 2 submitters: Uncertain significance (2). Last evaluated 2026-09-06.

Conditions:
Cardiovascular phenotype. Identifiers: MedGen CN230736.

gnomAD v4.1: 4 of 1,613,706 alleles (0.00025%); highest among the groups gnomAD compares: African/African-American, 0.004%; no homozygotes.

Submissions (2):

Ambry Genetics
Classification: Uncertain significance for Cardiovascular phenotype. Last evaluated: 2026-09-06. Review status: criteria provided, single submitter. Criteria: Ambry Variant Classification Scheme 2023. Collection method: clinical testing. Allele origin: germline.
Comment: The p.I396V variant (also known as c.1186A>G), located in coding exon 8 of the TBX5 gene, results from an A to G substitution at nucleotide position 1186. The isoleucine at codon 396 is replaced by valine, an amino acid with highly similar properties. This amino acid position is conserved. In addition, this alteration is predicted to be tolerated by in silico analysis. Based on the available evidence, the clinical significance of this variant remains unclear.

Women's Health and Genetics/Laboratory Corporation of America, LabCorp
Classification: Uncertain significance. Last evaluated: 2025-03-28. Review status: criteria provided, single submitter. Criteria: LabCorp Variant Classification Summary - May 2015. Collection method: clinical testing. Allele origin: germline.
Comment: Variant summary: TBX5 c.1186A>G (p.Ile396Val) results in a conservative amino acid change in the encoded protein sequence. Four of five in-silico tools predict a benign effect of the variant on protein function. The variant was absent in 250922 control chromosomes (gnomAD). The available data on variant occurrences in the general population are insufficient to allow any conclusion about variant significance. To our knowledge, no occurrence of c.1186A>G in individuals affected with Holt-Oram Syndrome and no experimental evidence demonstrating its impact on protein function have been reported. No submitters have cited clinical-significance assessments for this variant to ClinVar. Based on the evidence outlined above, the variant was classified as uncertain significance.